The following is an entry in ClinVar:

ClinVar aggregate classification (germline): Uncertain significance. Review status: criteria provided, multiple submitters, no conflicts (2 of 4 stars). 2 submissions from 2 submitters: Uncertain significance (2). Last evaluated 2024-04-10.

Conditions:
Hereditary cancer-predisposing syndrome. Also called: Tumor predisposition; Hereditary neoplastic syndrome; Neoplastic Syndromes, Hereditary; Hereditary Cancer Syndrome. Identifiers: Orphanet 140162, MedGen C0027672, MeSH D009386, MONDO:0015356.
Hereditary nonpolyposis colorectal neoplasms. Identifiers: MedGen C0009405, MeSH D003123.

Allele frequency attached by ClinVar (database versions not stated): gnomAD exomes below 0.00001; gnomAD 0.00001.
gnomAD v4.1: 2 of 1,612,038 alleles (0.00012%); highest among the groups gnomAD compares: Non-Finnish European, 0.00017%; no homozygotes.

Submissions (2):

Labcorp Genetics (formerly Invitae), Labcorp
Classification: Uncertain significance for Hereditary nonpolyposis colorectal neoplasms. Last evaluated: 2024-04-10. Review status: criteria provided, single submitter. Criteria: Invitae Variant Classification Sherloc (09022015). Collection method: clinical testing. Allele origin: germline.
Comment: This sequence change replaces phenylalanine, which is neutral and non-polar, with cysteine, which is neutral and slightly polar, at codon 10 of the MSH6 protein (p.Phe10Cys). This variant is not present in population databases (gnomAD no frequency). This variant has not been reported in the literature in individuals affected with MSH6-related conditions. ClinVar contains an entry for this variant (Variation ID: 950519). Advanced modeling of protein sequence and biophysical properties (such as structural, functional, and spatial information, amino acid conservation, physicochemical variation, residue mobility, and thermodynamic stability) has been performed at Invitae for this missense variant, however the output from this modeling did not meet the statistical confidence thresholds required to predict the impact of this variant on MSH6 protein function. In summary, the available evidence is currently insufficient to determine the role of this variant in disease. Therefore, it has been classified as a Variant of Uncertain Significance.

Ambry Genetics
Classification: Uncertain significance for Hereditary cancer-predisposing syndrome. Last evaluated: 2023-01-03. Review status: criteria provided, single submitter. Criteria: Ambry Variant Classification Scheme 2023. Collection method: clinical testing. Allele origin: germline.
Comment: The p.F10C variant (also known as c.29T>G), located in coding exon 1 of the MSH6 gene, results from a T to G substitution at nucleotide position 29. The phenylalanine at codon 10 is replaced by cysteine, an amino acid with highly dissimilar properties. This amino acid position is well conserved in available vertebrate species. In addition, the in silico prediction for this alteration is inconclusive. Since supporting evidence is limited at this time, the clinical significance of this alteration remains unclear.

NM_000179.3(MSH6):c.29T>G (p.Phe10Cys)

Gene: MSH6 (mutS homolog 6; plus strand). Cytogenetic location: 2p16.3.
Variant type: single nucleotide variant.
Coding change: c.29T>G on transcript NM_000179.3 (MANE Select); coding-DNA position 29, T replaced by G.
Protein change: p.Phe10Cys; replaces phenylalanine 10 with cysteine.
Molecular consequence: missense variant. On other transcripts: 5 prime UTR variant (1).
Genome position (GRCh38, 1-based): chr2:47,783,262, T>G. VCF-style: chr2-47783262-T-G. GRCh37 (hg19) VCF-style: chr2-48010401-T-G.
Other names: c.29T>G, p.Phe10Cys (NM_001281492.2); c.-708T>G (NM_001281493.2); short protein forms F10C.
Identifiers: ClinVar variation 950519 (VCV000950519.12), dbSNP rs1668110702, ClinGen allele CA346734515.